The following is an entry in ClinVar:

NM_001384900.1(SEMA3D):c.855T>C (p.Val285=)

Gene: SEMA3D (semaphorin 3D; minus strand). Cytogenetic location: 7q21.11.
Variant type: single nucleotide variant.
Coding change: c.855T>C on transcript NM_001384900.1 (MANE Select); coding-DNA position 855, T replaced by C.
Protein change: p.Val285=; no amino-acid change (valine 285 retained).
Molecular consequence: synonymous variant.
Genome position (GRCh38, 1-based): chr7:85,055,723, A>G on the plus strand (T>C on the coding strand, the complement: SEMA3D is on the minus strand). VCF-style: chr7-85055723-A-G. GRCh37 (hg19) VCF-style: chr7-84685039-A-G.
Other names: c.855T>C, p.Val285= (NM_001384901.1, NM_001384902.1, NM_001384903.1 and 1 more transcripts).
Identifiers: ClinVar variation 3358410 (VCV003358410.1).

ClinVar aggregate classification (germline): Likely benign (0 of 4 stars; one submission).

Conditions:
SEMA3D-related disorder. Also called: SEMA3D-related condition.

gnomAD v4.1: 6 of 1,391,020 alleles (0.00043%); highest among the groups gnomAD compares: Admixed American, 0.0061%; no homozygotes.

Submission:

PreventionGenetics, part of Exact Sciences
Classification: Likely benign for SEMA3D-related condition. Last evaluated: 2023-12-07. Review status: no assertion criteria provided. Collection method: clinical testing. Allele origin: germline.
Comment: This variant is classified as likely benign based on ACMG/AMP sequence variant interpretation guidelines (Richards et al. 2015 PMID: 25741868, with internal and published modifications).